The following is an entry in ClinVar:

ClinVar aggregate classification (germline): Uncertain significance. Review status: criteria provided, multiple submitters, no conflicts (2 of 4 stars). 2 submissions from 2 submitters: Uncertain significance (2). Last evaluated 2024-10-26.

Allele frequency attached by ClinVar (database versions not stated): gnomAD 0.00001; gnomAD exomes 0.00001; TOPMed 0.00001; ExAC 0.00002.
gnomAD v4.1: 8 of 1,613,572 alleles (0.0005%); highest among the groups gnomAD compares: African/African-American, 0.004%; no homozygotes.

Submissions (2):

Labcorp Genetics (formerly Invitae), Labcorp
Classification: Uncertain significance. Last evaluated: 2024-10-26. Review status: criteria provided, single submitter. Criteria: Invitae Variant Classification Sherloc (09022015). Collection method: clinical testing. Allele origin: germline.
Comment: This sequence change replaces serine, which is neutral and polar, with asparagine, which is neutral and polar, at codon 54 of the CDC6 protein (p.Ser54Asn). This variant is present in population databases (rs760863872, gnomAD 0.007%). This variant has not been reported in the literature in individuals affected with CDC6-related conditions. An algorithm developed to predict the effect of missense changes on protein structure and function (PolyPhen-2) suggests that this variant is likely to be disruptive. In summary, the available evidence is currently insufficient to determine the role of this variant in disease. Therefore, it has been classified as a Variant of Uncertain Significance.

Ambry Genetics
Classification: Uncertain significance. Last evaluated: 2024-07-14. Review status: criteria provided, single submitter. Criteria: Ambry Variant Classification Scheme 2023. Collection method: clinical testing. Allele origin: germline.

NM_001254.4(CDC6):c.161G>A (p.Ser54Asn)

Gene: CDC6 (cell division cycle 6; plus strand). Cytogenetic location: 17q21.2.
Variant type: single nucleotide variant.
Coding change: c.161G>A on transcript NM_001254.4 (MANE Select); coding-DNA position 161, G replaced by A.
Protein change: p.Ser54Asn; replaces serine 54 with asparagine.
Molecular consequence: missense variant.
Genome position (GRCh38, 1-based): chr17:40,289,581, G>A. VCF-style: chr17-40289581-G-A. GRCh37 (hg19) VCF-style: chr17-38445833-G-A.
Other names: c.161G>A (NM_001254.3); short protein forms S54N.
Identifiers: ClinVar variation 2894577 (VCV002894577.4), dbSNP rs760863872, ClinGen allele CA8541808.
Genomic context (GRCh38, chr17:40,289,581, plus strand): 5'-TAGAACCAACAAATGTCCAAACCGTAACCTGTTCTCCTCGTGTAAAAGCCCTGCCTCTCA[G>A]CCCCAGGAAACGTCTGGGTAAACCATCCATTATATCACTTTTTCACTAGCAGCTCGTGAC-3'
Protein context (NP_001245.1, residues 44-64): CSPRVKALPL[Ser54Asn]PRKRLGDDNL